The following is an entry in ClinVar:

NM_017807.4(OSGEP):c.254C>A (p.Pro85Gln)

Genes: OSGEP (O-sialoglycoprotein endopeptidase; minus strand), LOC107372315 (OSGEP/APEX1 bi-directional promoter region; plus strand). Cytogenetic location: 14q11.2.
Variant type: single nucleotide variant.
Coding change: c.254C>A on transcript NM_017807.4 (MANE Select); coding-DNA position 254, C replaced by A.
Protein change: p.Pro85Gln; replaces proline 85 with glutamine.
Molecular consequence: missense variant.
Genome position (GRCh38, 1-based): chr14:20,452,131, G>T on the plus strand (C>A on the coding strand, the complement: OSGEP is on the minus strand). VCF-style: chr14-20452131-G-T. GRCh37 (hg19) VCF-style: chr14-20920290-G-T.
Other names: short protein forms P85Q.
Identifiers: ClinVar variation 1520586 (VCV001520586.6), dbSNP rs1174870364, ClinGen allele CA389124876.

ClinVar aggregate classification (germline): Uncertain significance (1 of 4 stars; one submission).

Submission:

Labcorp Genetics (formerly Invitae), Labcorp
Classification: Uncertain significance. Last evaluated: 2025-09-02. Review status: criteria provided, single submitter. Criteria: Invitae Variant Classification Sherloc (09022015). Collection method: clinical testing. Allele origin: germline.
Comment: This sequence change replaces proline, which is neutral and non-polar, with glutamine, which is neutral and polar, at codon 85 of the OSGEP protein (p.Pro85Gln). This variant is not present in population databases (gnomAD no frequency). This variant has not been reported in the literature in individuals affected with OSGEP-related conditions. ClinVar contains an entry for this variant (Variation ID: 1520586). Invitae Evidence Modeling of protein sequence and biophysical properties (such as structural, functional, and spatial information, amino acid conservation, physicochemical variation, residue mobility, and thermodynamic stability) indicates that this missense variant is expected to disrupt OSGEP protein function with a positive predictive value of 80%. In summary, the available evidence is currently insufficient to determine the role of this variant in disease. Therefore, it has been classified as a Variant of Uncertain Significance.